The following is an entry in ClinVar:

ClinVar aggregate classification (germline): Uncertain significance (1 of 4 stars; one submission).

Conditions:
Recessive dystrophic epidermolysis bullosa (RDEB). Also called: Epidermolysis Bullosa Distrophica Autosomal Recessive (RDEB); Recessive DEB (RDEB); DYSTROPHIC EPIDERMOLYSIS BULLOSA, AUTOSOMAL RECESSIVE; EPIDERMOLYSIS BULLOSA DYSTROPHICA, HALLOPEAU-SIEMENS TYPE; severe generalized recessive dystrophic epidermolysis bullosa; epidermolysis bullosa dystrophica, autosomal recessive. Identifiers: Orphanet 79408, Orphanet 79409, MedGen C0079474, MONDO:0009179, OMIM 226600.

gnomAD v4.1: 1 of 1,612,956 alleles (0.000062%); highest among the groups gnomAD compares: Non-Finnish European, 0.000085%; no homozygotes.

Submission:

Myriad Genetics, Inc.
Classification: Uncertain significance for Recessive dystrophic epidermolysis bullosa. Last evaluated: 2026-06-25. Review status: criteria provided, single submitter. Criteria: Myriad Autosomal Dominant, Autosomal Recessive and X-Linked Classification Criteria (2023). Collection method: clinical testing. Allele origin: unknown.
Comment: NM_000094.3(COL7A1):c.4519-2A>G is a variant in a canonical splice site classified as a variant of uncertain significance in the context of dystrophic epidermolysis bullosa. c.4519-2A>G has not been observed in cases with relevant disease. Relevant functional assessments of this variant are not available in the literature. c.4519-2A>G has not been observed in referenced population frequency databases. In summary, there is insufficient evidence to classify NM_000094.3(COL7A1):c.4519-2A>G as pathogenic or benign. Please note: this variant was assessed in the context of healthy population screening.

NM_000094.4(COL7A1):c.4519-2A>G

Gene: COL7A1 (collagen type VII alpha 1 chain; minus strand). Cytogenetic location: 3p21.31.
Variant type: single nucleotide variant.
Coding change: c.4519-2A>G on transcript NM_000094.4 (MANE Select); the canonical splice acceptor site of the intron before coding-DNA position 4519, A replaced by G.
Molecular consequence: splice acceptor variant.
Genome position (GRCh38, 1-based): chr3:48,582,655, T>C on the plus strand (A>G on the coding strand, the complement: COL7A1 is on the minus strand). VCF-style: chr3-48582655-T-C. GRCh37 (hg19) VCF-style: chr3-48620088-T-C.
Identifiers: ClinVar variation 5004752 (VCV005004752.1).